The following is an entry in ClinVar:

ClinVar aggregate classification (germline): Uncertain significance (1 of 4 stars; one submission).

Submission:

Labcorp Genetics (formerly Invitae), Labcorp
Classification: Uncertain significance. Last evaluated: 2023-08-27. Review status: criteria provided, single submitter. Criteria: Invitae Variant Classification Sherloc (09022015). Collection method: clinical testing. Allele origin: germline.
Comment: This sequence change replaces arginine, which is basic and polar, with isoleucine, which is neutral and non-polar, at codon 434 of the CACNA2D4 protein (p.Arg434Ile). This variant is not present in population databases (gnomAD no frequency). In summary, the available evidence is currently insufficient to determine the role of this variant in disease. Therefore, it has been classified as a Variant of Uncertain Significance. An algorithm developed to predict the effect of missense changes on protein structure and function (PolyPhen-2) suggests that this variant is likely to be disruptive. ClinVar contains an entry for this variant (Variation ID: 1045115). This variant has not been reported in the literature in individuals affected with CACNA2D4-related conditions.

NM_172364.5(CACNA2D4):c.1301G>T (p.Arg434Ile)

Gene: CACNA2D4 (calcium voltage-gated channel auxiliary subunit alpha2delta 4; minus strand). Cytogenetic location: 12p13.33.
Variant type: single nucleotide variant.
Coding change: c.1301G>T on transcript NM_172364.5 (MANE Select); coding-DNA position 1301, G replaced by T.
Protein change: p.Arg434Ile; replaces arginine 434 with isoleucine.
Molecular consequence: missense variant.
Genome position (GRCh38, 1-based): chr12:1,884,293, C>A on the plus strand (G>T on the coding strand, the complement: CACNA2D4 is on the minus strand). VCF-style: chr12-1884293-C-A. GRCh37 (hg19) VCF-style: chr12-1993459-C-A.
Other names: short protein forms R434I.
Identifiers: ClinVar variation 1045115 (VCV001045115.8), dbSNP rs773243066, ClinGen allele CA383356889.
Genomic context (GRCh38, chr12:1,884,293, plus strand): 5'-CGGCACTCACCTTTGTTGTTGCATGCAATCCACTTCATGCGGTCAGCAAAAGACACTTCT[C>A]TCCCAATGAGGTAAGTGAAAACTCGGACCTAACCCACAAGACACAGAGGCACTCAGCAGC-3'
Protein context (NP_758952.4, residues 424-444): KVRVFTYLIG[Arg434Ile]EVSFADRMKW